The following is an entry in ClinVar:

NM_001098511.3(KIF2A):c.1331G>A (p.Arg444Lys)

Gene: KIF2A (kinesin family member 2A; plus strand). Cytogenetic location: 5q12.1.
Variant type: single nucleotide variant.
Coding change: c.1331G>A on transcript NM_001098511.3 (MANE Select); coding-DNA position 1331, G replaced by A.
Protein change: p.Arg444Lys; replaces arginine 444 with lysine.
Molecular consequence: missense variant.
Genome position (GRCh38, 1-based): chr5:62,363,763, G>A. VCF-style: chr5-62363763-G-A. GRCh37 (hg19) VCF-style: chr5-61659590-G-A.
Other names: c.1250G>A, p.Arg417Lys (NM_001243952.2); c.1274G>A, p.Arg425Lys (NM_001243953.2); c.1331G>A, p.Arg444Lys (NM_004520.5); short protein forms R417K, R425K, R444K.
Identifiers: ClinVar variation 4851373 (VCV004851373.1).

ClinVar aggregate classification (germline): Likely benign (1 of 4 stars; one submission).

Conditions:
Complex cortical dysplasia with other brain malformations 3. Identifiers: MedGen C3809414, MONDO:0014170, OMIM 615411.

Submission:

Centre for Medical Genetics,  Mumbai
Classification: Likely benign for Complex cortical dysplasia with other brain malformations 3. Last evaluated: 2026-04-13. Review status: criteria provided, single submitter. Criteria: ACMG Guidelines, 2015. Collection method: provider interpretation. Allele origin: germline. Inheritance: Autosomal dominant inheritance. Affected: no. Observed: 1 variant allele, 1 heterozygote.
Comment: The variant satisfies PM2 criteria - extremely low frequency in gnomAD population databases. The variant satisfies PP2 criteria - missense variant in a gene with low rate of benign missense mutations and for which missense mutation is a common mechanism of a disease. However, the variant satisfies BS2 criteria - present in heterozygous state in an individual that clinically does not have cortical dysplasia, complex, with other brain malformations.

Literature cited by the submitters: PubMed 23603762.